The following is an entry in ClinVar:

NM_000458.4(HNF1B):c.983C>T (p.Pro328Leu)

Gene: HNF1B (HNF1 homeobox B; minus strand). Cytogenetic location: 17q12.
Variant type: single nucleotide variant.
Coding change: c.983C>T on transcript NM_000458.4 (MANE Select); coding-DNA position 983, C replaced by T.
Protein change: p.Pro328Leu; replaces proline 328 with leucine.
Molecular consequence: missense variant.
Genome position (GRCh38, 1-based): chr17:37,731,657, G>A on the plus strand (C>T on the coding strand, the complement: HNF1B is on the minus strand). VCF-style: chr17-37731657-G-A. GRCh37 (hg19) VCF-style: chr17-36091648-G-A.
Other names: c.905C>T, p.Pro302Leu (NM_001165923.4, NM_001304286.2); short protein forms P328L, P302L.
Identifiers: ClinVar variation 386723 (VCV000386723.4), dbSNP rs764132839, ClinGen allele CA8518960.

ClinVar aggregate classification (germline): Conflicting classifications of pathogenicity. Review status: criteria provided, conflicting classifications (1 of 4 stars). 2 submissions from 2 submitters: Uncertain significance (1); Likely benign (1). Last evaluated 2025-08-26.

Allele frequency attached by ClinVar (database versions not stated): gnomAD exomes 0.00001; TOPMed 0.00001; ExAC 0.00002.
gnomAD v4.1: 5 of 1,614,050 alleles (0.00031%); highest among the groups gnomAD compares: Admixed American, 0.0083%; no homozygotes.

Submissions (2):

Labcorp Genetics (formerly Invitae), Labcorp
Classification: Uncertain significance. Last evaluated: 2025-08-26. Review status: criteria provided, single submitter. Criteria: Invitae Variant Classification Sherloc (09022015). Collection method: clinical testing. Allele origin: germline.
Comment: This sequence change replaces proline, which is neutral and non-polar, with leucine, which is neutral and non-polar, at codon 328 of the HNF1B protein (p.Pro328Leu). This variant is present in population databases (rs764132839, gnomAD 0.009%). This variant has not been reported in the literature in individuals affected with HNF1B-related conditions. ClinVar contains an entry for this variant (Variation ID: 386723). Invitae Evidence Modeling of protein sequence and biophysical properties (such as structural, functional, and spatial information, amino acid conservation, physicochemical variation, residue mobility, and thermodynamic stability) indicates that this missense variant is not expected to disrupt HNF1B protein function with a negative predictive value of 80%. In summary, the available evidence is currently insufficient to determine the role of this variant in disease. Therefore, it has been classified as a Variant of Uncertain Significance.

GeneDx
Classification: Likely benign. Last evaluated: 2016-06-07. Review status: criteria provided, single submitter. Criteria: GeneDx Variant Classification (06012015). Collection method: clinical testing. Allele origin: germline. Affected: yes.
Comment: This variant is considered likely benign or benign based on one or more of the following criteria: it is a conservative change, it occurs at a poorly conserved position in the protein, it is predicted to be benign by multiple in silico algorithms, and/or has population frequency not consistent with disease.